The following is an entry in ClinVar:

ClinVar aggregate classification (germline): Uncertain significance (1 of 4 stars; one submission).

Conditions:
Hereditary cancer-predisposing syndrome. Also called: Tumor predisposition; Hereditary neoplastic syndrome; Neoplastic Syndromes, Hereditary; Hereditary Cancer Syndrome. Identifiers: Orphanet 140162, MedGen C0027672, MeSH D009386, MONDO:0015356.

Submission:

Ambry Genetics
Classification: Uncertain significance for Hereditary cancer-predisposing syndrome. Last evaluated: 2025-04-26. Review status: criteria provided, single submitter. Criteria: Ambry Variant Classification Scheme 2023. Collection method: clinical testing. Allele origin: germline.
Comment: The p.M435L variant (also known as c.1303A>T), located in coding exon 14 of the CDC73 gene, results from an A to T substitution at nucleotide position 1303. The methionine at codon 435 is replaced by leucine, an amino acid with highly similar properties. This amino acid position is conserved. In addition, this alteration is predicted to be tolerated by in silico analysis. Based on the available evidence, the clinical significance of this variant remains unclear.

NM_024529.5(CDC73):c.1303A>T (p.Met435Leu)

Gene: CDC73 (cell division cycle 73; plus strand). Cytogenetic location: 1q31.2.
Variant type: single nucleotide variant.
Coding change: c.1303A>T on transcript NM_024529.5 (MANE Select); coding-DNA position 1303, A replaced by T.
Protein change: p.Met435Leu; replaces methionine 435 with leucine.
Molecular consequence: missense variant.
Genome position (GRCh38, 1-based): chr1:193,233,141, A>T. VCF-style: chr1-193233141-A-T. GRCh37 (hg19) VCF-style: chr1-193202271-A-T.
Other names: short protein forms M435L.
Identifiers: ClinVar variation 3998680 (VCV003998680.1).